The following is an entry in ClinVar:

NM_002485.5(NBN):c.519G>C (p.Lys173Asn)

Gene: NBN (nibrin; minus strand). Cytogenetic location: 8q21.3.
Variant type: single nucleotide variant.
Coding change: c.519G>C on transcript NM_002485.5 (MANE Select); coding-DNA position 519, G replaced by C.
Protein change: p.Lys173Asn; replaces lysine 173 with asparagine.
Molecular consequence: missense variant.
Genome position (GRCh38, 1-based): chr8:89,978,285, C>G on the plus strand (G>C on the coding strand, the complement: NBN is on the minus strand). VCF-style: chr8-89978285-C-G. GRCh37 (hg19) VCF-style: chr8-90990513-C-G.
Other names: c.273G>C, p.Lys91Asn (NM_001024688.3); short protein forms K173N, K91N.
Identifiers: ClinVar variation 2428842 (VCV002428842.8), dbSNP rs904773926, ClinGen allele CA371660358.
Genomic context (GRCh38, chr8:89,978,285, plus strand): 5'-AATTTGTGGAGGCTGCTTCTTGGACTCAACTGCTTTCAGGAATTCAGTAAAATATTCTGG[C>G]TTTACAATTGGACGTCCACAAATGAGTGCACATATTGTCTACAATGAAGAAAACATGTGA-3'
Protein context (NP_002476.2, residues 163-183): CALICGRPIV[Lys173Asn]PEYFTEFLKA

ClinVar aggregate classification (germline): Uncertain significance. Review status: criteria provided, multiple submitters, no conflicts (2 of 4 stars). 3 submissions from 3 submitters: Uncertain significance (3). Last evaluated 2023-10-18.

Conditions:
Hereditary cancer-predisposing syndrome. Also called: Hereditary neoplastic syndrome; Hereditary Cancer Syndrome; Tumor predisposition; Neoplastic Syndromes, Hereditary. Identifiers: Orphanet 140162, MedGen C0027672, MeSH D009386, MONDO:0015356.
Microcephaly, normal intelligence and immunodeficiency (NBS). Also called: Nijmegen breakage syndrome; Microcephaly with normal intelligence immunodeficiency and lymphoreticular malignancies; Nonsyndromal microcephaly autosomal recessive with normal intelligence; Seemanova syndrome 2; IMMUNODEFICIENCY, MICROCEPHALY, AND CHROMOSOMAL INSTABILITY; Ataxia telangiectasia variant V1. Identifiers: Orphanet 647, MedGen C0398791, MONDO:0009623, OMIM 251260.

Allele frequency attached by ClinVar (database versions not stated): gnomAD exomes below 0.00001.
gnomAD v4.1: 1 of 1,598,976 alleles (0.000063%); highest among the groups gnomAD compares: Non-Finnish European, 0.000086%; no homozygotes.

Submissions (3):

Labcorp Genetics (formerly Invitae), Labcorp
Classification: Uncertain significance for Microcephaly, normal intelligence and immunodeficiency. Last evaluated: 2023-10-18. Review status: criteria provided, single submitter. Criteria: Invitae Variant Classification Sherloc (09022015). Collection method: clinical testing. Allele origin: germline.
Comment: This sequence change replaces lysine, which is basic and polar, with asparagine, which is neutral and polar, at codon 173 of the NBN protein (p.Lys173Asn). This variant is not present in population databases (gnomAD no frequency). This variant has not been reported in the literature in individuals affected with NBN-related conditions. ClinVar contains an entry for this variant (Variation ID: 2428842). An algorithm developed to predict the effect of missense changes on protein structure and function (PolyPhen-2) suggests that this variant is likely to be tolerated. In summary, the available evidence is currently insufficient to determine the role of this variant in disease. Therefore, it has been classified as a Variant of Uncertain Significance.

Ambry Genetics
Classification: Uncertain significance for Hereditary cancer-predisposing syndrome. Last evaluated: 2023-08-08. Review status: criteria provided, single submitter. Criteria: Ambry Variant Classification Scheme 2023. Collection method: clinical testing. Allele origin: germline.
Comment: The p.K173N variant (also known as c.519G>C), located in coding exon 5 of the NBN gene, results from a G to C substitution at nucleotide position 519. The lysine at codon 173 is replaced by asparagine, an amino acid with similar properties. This alteration was detected in 1/5589 German BRCA1/2-negative probands with breast cancer (Hauke J et al. Cancer Med, 2018 Apr;7:1349-1358). This amino acid position is highly conserved in available vertebrate species. In addition, this alteration is predicted to be tolerated by in silico analysis. Since supporting evidence is limited at this time, the clinical significance of this alteration remains unclear.

GeneDx
Classification: Uncertain significance. Last evaluated: 2022-08-05. Review status: criteria provided, single submitter. Criteria: GeneDx Variant Classification Process June 2021. Collection method: clinical testing. Allele origin: germline. Affected: yes.
Comment: Not observed at significant frequency in large population cohorts (gnomAD); In silico analysis supports that this missense variant has a deleterious effect on protein structure/function; Has not been previously published as pathogenic or benign to our knowledge; This variant is associated with the following publications: (PMID: 24894818)

Literature cited by the submitters: PubMed 29522266 (cited by Ambry Genetics).